The following is an entry in ClinVar:

NM_032638.5(GATA2):c.1418C>G (p.Ser473Cys)

Gene: GATA2 (GATA binding protein 2; minus strand). Cytogenetic location: 3q21.3.
Variant type: single nucleotide variant.
Coding change: c.1418C>G on transcript NM_032638.5 (MANE Select); coding-DNA position 1418, C replaced by G.
Protein change: p.Ser473Cys; replaces serine 473 with cysteine.
Molecular consequence: missense variant.
Genome position (GRCh38, 1-based): chr3:128,481,044, G>C on the plus strand (C>G on the coding strand, the complement: GATA2 is on the minus strand). VCF-style: chr3-128481044-G-C. GRCh37 (hg19) VCF-style: chr3-128199887-G-C.
Other names: c.1418C>G, p.Ser473Cys (NM_001145661.2); c.1376C>G, p.Ser459Cys (NM_001145662.1); short protein forms S473C, S459C.
Identifiers: ClinVar variation 4620646 (VCV004620646.1).

ClinVar aggregate classification (germline): Uncertain significance (1 of 4 stars; one submission).

Conditions:
Inborn genetic diseases. Identifiers: MedGen C0950123, MeSH D030342.

Submission:

Ambry Genetics
Classification: Uncertain significance for Inborn genetic diseases. Last evaluated: 2025-11-26. Review status: criteria provided, single submitter. Criteria: Ambry Variant Classification Scheme 2023. Collection method: clinical testing. Allele origin: germline.
Comment: The p.S473C variant (also known as c.1418C>G), located in coding exon 5 of the GATA2 gene, results from a C to G substitution at nucleotide position 1418. The serine at codon 473 is replaced by cysteine, an amino acid with dissimilar properties. This amino acid position is conserved. In addition, this alteration is predicted to be deleterious by in silico analysis. Based on the available evidence, the clinical significance of this variant remains unclear.